The following is an entry in ClinVar:

NM_015331.3(NCSTN):c.1199C>T (p.Thr400Ile)

Gene: NCSTN (nicastrin; plus strand). Cytogenetic location: 1q23.2.
Variant type: single nucleotide variant.
Coding change: c.1199C>T on transcript NM_015331.3 (MANE Select); coding-DNA position 1199, C replaced by T.
Protein change: p.Thr400Ile; replaces threonine 400 with isoleucine.
Molecular consequence: missense variant.
Genome position (GRCh38, 1-based): chr1:160,354,137, C>T. VCF-style: chr1-160354137-C-T. GRCh37 (hg19) VCF-style: chr1-160323927-C-T.
Other names: c.1199C>T (NM_015331.2); c.1139C>T, p.Thr380Ile (NM_001290184.2); c.785C>T, p.Thr262Ile (NM_001290186.2); c.1199C>T, p.Thr400Ile (NM_001349729.2); short protein forms T262I, T380I, T400I.
Identifiers: ClinVar variation 1592440 (VCV001592440.36), dbSNP rs200634807, ClinGen allele CA1198937.
Genomic context (GRCh38, chr1:160,354,137, plus strand): 5'-CCCCCAGCCTCCCATCAGTTAATCTCCCTCGTACCCCCCAGGTGGAGGATCTCCTGGCCA[C>T]ATTGGAGAAGAGTGGTGCTGGTGTCCCTGCTGTCATCCTCAGGAGGCCAAATCAGTCCCA-3'
Protein context (NP_056146.1, residues 390-410): VRNQVEDLLA[Thr400Ile]LEKSGAGVPA

ClinVar aggregate classification (germline): Conflicting classifications of pathogenicity. Review status: criteria provided, conflicting classifications (1 of 4 stars). 4 submissions from 4 submitters: Uncertain significance (1); Likely benign (3). Last evaluated 2026-01-26.

Conditions:
Inborn genetic diseases. Identifiers: MedGen C0950123, MeSH D030342.

Allele frequency attached by ClinVar (database versions not stated): gnomAD exomes 0.00007 and 0.00009; TOPMed 0.00008; ExAC 0.00009; gnomAD 0.00012 and 0.00013.
gnomAD v4.1: 133 of 1,614,156 alleles (0.0082%); highest among the groups gnomAD compares: Non-Finnish European, 0.0072%; 1 homozygote.

Submissions (4):

Labcorp Genetics (formerly Invitae), Labcorp
Classification: Likely benign. Last evaluated: 2026-01-26. Review status: criteria provided, single submitter. Criteria: Invitae Variant Classification Sherloc (09022015). Collection method: clinical testing. Allele origin: germline.

Blueprint Genetics
Classification: Likely benign. Last evaluated: 2024-09-17. Review status: criteria provided, single submitter. Criteria: ACMG Guidelines, 2015. Collection method: clinical testing. Allele origin: germline.

CeGaT Center for Human Genetics Tuebingen
Classification: Likely benign. Last evaluated: 2023-03-01. Review status: criteria provided, single submitter. Criteria: CeGaT Center For Human Genetics Tuebingen Variant Classification Criteria Version 2. Collection method: clinical testing. Allele origin: germline. Affected: yes. Observed: 1 variant allele.
Comment: NCSTN: BP4

Ambry Genetics
Classification: Uncertain significance for Inborn genetic diseases. Last evaluated: 2021-07-13. Review status: criteria provided, single submitter. Criteria: Ambry Variant Classification Scheme 2023. Collection method: clinical testing. Allele origin: germline.